The following is an entry in ClinVar:

NM_024675.4(PALB2):c.62T>A (p.Leu21Ter)

Gene: PALB2 (partner and localizer of BRCA2; minus strand). Cytogenetic location: 16p12.2.
Variant type: single nucleotide variant.
Coding change: c.62T>A on transcript NM_024675.4 (MANE Select); coding-DNA position 62, T replaced by A.
Protein change: p.Leu21Ter; replaces leucine 21 with a stop codon.
Molecular consequence: nonsense. On other transcripts: 5 prime UTR variant (8), intron variant (4).
Genome position (GRCh38, 1-based): chr16:23,638,116, A>T on the plus strand (T>A on the coding strand, the complement: PALB2 is on the minus strand). VCF-style: chr16-23638116-A-T. GRCh37 (hg19) VCF-style: chr16-23649437-A-T.
Other names: c.62T>A, p.Leu21Ter (NM_001407297.1, NM_001407298.1, NM_001407299.1 and 3 more transcripts); c.-824T>A (NM_001407304.1, NM_001407305.1, NM_001407306.1 and 5 more transcripts); c.48+2994T>A (NM_001407314.1); c.-105+2994T>A (NM_001407313.1, NM_001407312.1); c.49-164T>A (NM_001407296.1); short protein forms L21*.
Identifiers: ClinVar variation 2683825 (VCV002683825.2), dbSNP rs769240800, ClinGen allele CA395139893.

ClinVar aggregate classification (germline): Pathogenic (1 of 4 stars; one submission).

Conditions:
Breast-ovarian cancer, familial, susceptibility to, 5 (BROVCA5). Identifiers: MedGen C5830615, MONDO:0957530, OMIM 620442.

Submission:

KCCC/NGS Laboratory, Kuwait Cancer Control Center
Classification: Pathogenic for Breast-ovarian cancer, familial, susceptibility to, 5. Last evaluated: 2024-01-08. Review status: criteria provided, single submitter. Criteria: ACMG Guidelines, 2015. Collection method: clinical testing. Allele origin: germline. Inheritance: Autosomal dominant inheritance. Affected: yes. Observed: 1 heterozygote.
Comment: This sequence change creates a premature translational stop signal (p.Leu21*) in the PALB2 gene. It is expected to result in an absent or disrupted protein product. Loss-of-function variants in PALB2 are known to be pathogenic (PMID: 17200668, 17200671, 17200672, 24136930, 25099575). This variant is not present in population databases. Another variant (c.62T>G), also causes premature stop signal at the same codon and its listed as pathogenic in ClinVar (439237). This variant has not been reported in the literature in individuals affected with PALB2-related conditions. ClinVar contains an entry for this variant (Variation ID: 439237). For these reasons, this variant has been classified as Pathogenic. Pathogenic/likely pathogenic variants in the PALB2 gene cause susceptibility to breast cancer (OMIM#114480